The following is an entry in ClinVar:

ClinVar aggregate classification (germline): Uncertain significance (1 of 4 stars; one submission).

Conditions:
Norman-Roberts syndrome (LIS2). Also called: Lissencephaly 2 (Norman-Roberts type). Identifiers: Orphanet 89844, MedGen C0796089, MONDO:0009760, OMIM 257320.
Familial temporal lobe epilepsy 7. Identifiers: Orphanet 101046, MedGen C4225327, MONDO:0014639, OMIM 616436.

Submission:

Labcorp Genetics (formerly Invitae), Labcorp
Classification: Uncertain significance for Familial temporal lobe epilepsy 7; Norman-Roberts syndrome. Last evaluated: 2023-08-20. Review status: criteria provided, single submitter. Criteria: Invitae Variant Classification Sherloc (09022015). Collection method: clinical testing. Allele origin: germline.
Comment: In summary, the available evidence is currently insufficient to determine the role of this variant in disease. Therefore, it has been classified as a Variant of Uncertain Significance. Experimental studies and prediction algorithms are not available or were not evaluated, and the effect of this variant on mRNA splicing is currently unknown. This variant has not been reported in the literature in individuals affected with RELN-related conditions. This variant is not present in population databases (gnomAD no frequency). This sequence change falls in intron 14 of the RELN gene. It does not directly change the encoded amino acid sequence of the RELN protein.

NM_005045.4(RELN):c.1763+9_1763+22del

Gene: RELN (reelin; minus strand). Cytogenetic location: 7q22.1.
Variant type: Deletion.
Coding change: c.1763+9_1763+22del on transcript NM_005045.4 (MANE Select); bases 9 to 22 of the intron after coding-DNA position 1763, 14 bases deleted (CCCTATTTTGTAAG).
Molecular consequence: intron variant.
Genome position (GRCh38, 1-based): chr7:103,652,529-103,652,542, CTTACAAAATAGGG deleted on the plus strand (CCCTATTTTGTAAG on the coding strand, the reverse complement: RELN is on the minus strand); deleting any 14 consecutive bases within chr7:103,652,529-103,652,545 gives the same sequence; the c. name uses the placement nearest the transcript's 3' end. VCF-style (leftmost placement, unchanged base first): chr7-103652528-ACTTACAAAATAGGG-A. GRCh37 (hg19) VCF-style: chr7-103292975-ACTTACAAAATAGGG-A.
Other names: c.1763+9_1763+22del (NM_173054.3).
Identifiers: ClinVar variation 2951156 (VCV002951156.3), dbSNP rs2484840105, ClinGen allele CA2740097479.